The following is an entry in ClinVar:

ClinVar aggregate classification (germline): Uncertain significance. Review status: criteria provided, multiple submitters, no conflicts (2 of 4 stars). 5 submissions from 5 submitters: Uncertain significance (5). Last evaluated 2023-06-28.

Conditions:
Catecholaminergic polymorphic ventricular tachycardia 1. Also called: VENTRICULAR TACHYCARDIA, STRESS-INDUCED POLYMORPHIC 1; VENTRICULAR TACHYCARDIA, CATECHOLAMINERGIC POLYMORPHIC, 1, WITH OR WITHOUT ATRIAL DYSFUNCTION AND/OR DILATED CARDIOMYOPATHY; RYR2-Related Catecholaminergic Polymorphic Ventricular Tachycardia. Identifiers: Orphanet 3286, MedGen C1631597, MONDO:0011484, OMIM 604772.
Ventricular arrhythmias due to cardiac ryanodine receptor calcium release deficiency syndrome. Also called: Autosomal dominant cardiac arrhythmia (Kuhn). Identifiers: MedGen C5542154, MONDO:0020745, OMIM 115000.
Cardiomyopathy (CMYO). Also called: Cardiomyopathies. Identifiers: Orphanet 167848, MedGen C0878544, MONDO:0004994, HP:0001638. Inheritance: Various modes of inheritance.
Catecholaminergic polymorphic ventricular tachycardia (CVPT). Also called: Catecholamine-induced polymorphic ventricular tachycardia. Identifiers: Orphanet 3286, MedGen C5574922, MONDO:0017990.

Allele frequency attached by ClinVar (database versions not stated): gnomAD exomes below 0.00001; TOPMed 0.00001.
gnomAD v4.1: 6 of 1,559,252 alleles (0.00038%); highest among the groups gnomAD compares: Non-Finnish European, 0.00052%; no homozygotes.

Submissions (5):

All of Us Research Program, National Institutes of Health
Classification: Uncertain significance for Catecholaminergic polymorphic ventricular tachycardia. Last evaluated: 2023-06-28. Review status: criteria provided, single submitter. Criteria: ACMG Guidelines, 2015. Collection method: clinical testing. Allele origin: germline. Inheritance: Autosomal dominant inheritance. Observed: 1 variant allele, 1 heterozygote.
Comment: This missense variant replaces asparagine with serine at codon 4514 of the RYR2 protein. Computational prediction suggests that this variant may have deleterious impact on protein structure and function (internally defined REVEL score threshold >= 0.7, PMID: 27666373). To our knowledge, functional studies have not been reported for this variant. This variant has been reported in an individual affected with dilated cardiomyopathy (PMID: 27532257). This variant has not been identified in the general population by the Genome Aggregation Database (gnomAD). The available evidence is insufficient to determine the role of this variant in disease conclusively. Therefore, this variant is classified as a Variant of Uncertain Significance.

This study involves interpretation of variants in research participants for the purpose of population health screening. Participant phenotype was not available at the time of variant classification. Additional details can be found in publication PMID: 35346344, PMCID: PMC8962531

Color Diagnostics, LLC DBA Color Health
Classification: Uncertain significance for Cardiomyopathy. Last evaluated: 2021-04-19. Review status: criteria provided, single submitter. Criteria: ACMG Guidelines, 2015. Collection method: clinical testing. Allele origin: germline.
Comment: This missense variant replaces asparagine with serine at codon 4514 of the RYR2 protein. Computational prediction suggests that this variant may have deleterious impact on protein structure and function (internally defined REVEL score threshold >= 0.7, PMID: 27666373). To our knowledge, functional studies have not been reported for this variant. This variant has been reported in an individual affected with dilated cardiomyopathy (PMID: 27532257). This variant has not been identified in the general population by the Genome Aggregation Database (gnomAD). The available evidence is insufficient to determine the role of this variant in disease conclusively. Therefore, this variant is classified as a Variant of Uncertain Significance.

Department of Pathology and Laboratory Medicine, Sinai Health System
Classification: Uncertain significance for Ventricular arrhythmias due to cardiac ryanodine receptor calcium release deficiency syndrome; Catecholaminergic polymorphic ventricular tachycardia 1. Last evaluated: 2020-05-01. Review status: criteria provided, single submitter. Criteria: ACMG Guidelines, 2015. Collection method: research. Allele origin: germline.

Labcorp Genetics (formerly Invitae), Labcorp
Classification: Uncertain significance for Catecholaminergic polymorphic ventricular tachycardia 1. Last evaluated: 2018-11-29. Review status: criteria provided, single submitter. Criteria: Invitae Variant Classification Sherloc (09022015). Collection method: clinical testing. Allele origin: germline.
Comment: In summary, the available evidence is currently insufficient to determine the role of this variant in disease. Therefore, it has been classified as a Variant of Uncertain Significance. Algorithms developed to predict the effect of sequence changes on RNA splicing suggest that this variant may create or strengthen a splice site, but this prediction has not been confirmed by published transcriptional studies. Algorithms developed to predict the effect of missense changes on protein structure and function are either unavailable or do not agree on the potential impact of this missense change (SIFT: "Deleterious"; PolyPhen-2: "Possibly Damaging"; Align-GVGD: "Class C0"). This variant has been observed in an individual affected with dilated cardiomyopathy (PMID: 27532257). ClinVar contains an entry for this variant (Variation ID: 43726). This variant is not present in population databases (ExAC no frequency). This sequence change replaces asparagine with serine at codon 4514 of the RYR2 protein (p.Asn4514Ser). The asparagine residue is highly conserved and there is a small physicochemical difference between asparagine and serine.

Laboratory for Molecular Medicine, Mass General Brigham Personalized Medicine
Classification: Uncertain significance. Last evaluated: 2012-05-02. Review status: criteria provided, single submitter. Criteria: LMM Criteria. Collection method: clinical testing. Allele origin: germline. Observed: 2 variant alleles.
Comment: The Asn4514Ser variant (RYR2) has not been reported in the literature. Computational analyses (biochemical amino acid properties, conservation, AlignGVGD, PolyPhen2, and SIFT) do not provide strong support for or against an impact to the protein. This variant has not been iden tified in a very large and broad population by the NHLBI Exome Sequencing Projec t. This low frequency is consistent with a di sease causing role, but is insufficient to establish this with certainty. Additi onal information is needed to fully assess the clinical significance of this var iant.

Literature cited by the submitters: PubMed 27532257 (cited by All of Us Research Program, National Institutes of Health and Labcorp Genetics (formerly Invitae), Labcorp).

NM_001035.3(RYR2):c.13541A>G (p.Asn4514Ser)

Gene: RYR2 (ryanodine receptor 2; plus strand). Cytogenetic location: 1q43.
Variant type: single nucleotide variant.
Coding change: c.13541A>G on transcript NM_001035.3 (MANE Select); coding-DNA position 13541, A replaced by G.
Protein change: p.Asn4514Ser; replaces asparagine 4514 with serine.
Molecular consequence: missense variant.
Genome position (GRCh38, 1-based): chr1:237,791,493, A>G. VCF-style: chr1-237791493-A-G. GRCh37 (hg19) VCF-style: chr1-237954793-A-G.
Other names: short protein forms N4514S.
Identifiers: ClinVar variation 43726 (VCV000043726.19), dbSNP rs397516511, ClinGen allele CA007966.